The following is an entry in ClinVar:

NM_001364905.1(LRBA):c.4171A>T (p.Asn1391Tyr)

Gene: LRBA (LPS responsive beige-like anchor protein; minus strand). Cytogenetic location: 4q31.3.
Variant type: single nucleotide variant.
Coding change: c.4171A>T on transcript NM_001364905.1 (MANE Select); coding-DNA position 4171, A replaced by T.
Protein change: p.Asn1391Tyr; replaces asparagine 1391 with tyrosine.
Molecular consequence: missense variant.
Genome position (GRCh38, 1-based): chr4:150,848,986, T>A on the plus strand (A>T on the coding strand, the complement: LRBA is on the minus strand). VCF-style: chr4-150848986-T-A. GRCh37 (hg19) VCF-style: chr4-151770138-T-A.
Other names: c.4171A>T, p.Asn1391Tyr (NM_001199282.3, NM_001367550.1, NM_006726.5); short protein forms N1391Y.
Identifiers: ClinVar variation 959148 (VCV000959148.9), dbSNP rs199910629, ClinGen allele CA3102857.

ClinVar aggregate classification (germline): Uncertain significance. Review status: criteria provided, multiple submitters, no conflicts (2 of 4 stars). 2 submissions from 2 submitters: Uncertain significance (2). Last evaluated 2025-03-17.

Conditions:
Combined immunodeficiency due to LRBA deficiency. Also called: Common variable immunodeficiency 8, with autoimmunity. Identifiers: Orphanet 445018, MedGen C3553512, MONDO:0013863, OMIM 614700.
Inborn genetic diseases. Identifiers: MedGen C0950123, MeSH D030342.

Allele frequency attached by ClinVar (database versions not stated): gnomAD exomes 0.00003 and 0.00007; ExAC 0.00008; 1000 Genomes Project 30x 0.00016; 1000 Genomes Project 0.00020; ESP Exome Variant Server 0.00023; gnomAD 0.00031 and 0.00033; TOPMed 0.00037.
gnomAD v4.1: 91 of 1,592,404 alleles (0.0057%); highest among the groups gnomAD compares: African/African-American, 0.12%; no homozygotes.

Submissions (2):

Ambry Genetics
Classification: Uncertain significance for Inborn genetic diseases. Last evaluated: 2025-03-17. Review status: criteria provided, single submitter. Criteria: Ambry Variant Classification Scheme 2023. Collection method: clinical testing. Allele origin: germline.

Labcorp Genetics (formerly Invitae), Labcorp
Classification: Uncertain significance for Combined immunodeficiency due to LRBA deficiency. Last evaluated: 2022-08-17. Review status: criteria provided, single submitter. Criteria: Invitae Variant Classification Sherloc (09022015). Collection method: clinical testing. Allele origin: germline.
Comment: This sequence change replaces asparagine, which is neutral and polar, with tyrosine, which is neutral and polar, at codon 1391 of the LRBA protein (p.Asn1391Tyr). This variant is present in population databases (rs199910629, gnomAD 0.1%). This variant has not been reported in the literature in individuals affected with LRBA-related conditions. ClinVar contains an entry for this variant (Variation ID: 959148). Algorithms developed to predict the effect of missense changes on protein structure and function are either unavailable or do not agree on the potential impact of this missense change (SIFT: "Tolerated"; PolyPhen-2: "Possibly Damaging"; Align-GVGD: "Class C0"). In summary, the available evidence is currently insufficient to determine the role of this variant in disease. Therefore, it has been classified as a Variant of Uncertain Significance.